The following is an entry in ClinVar:

NM_000452.3(SLC10A2):c.602G>T (p.Gly201Val)

Gene: SLC10A2 (solute carrier family 10 member 2; minus strand). Cytogenetic location: 13q33.1.
Variant type: single nucleotide variant.
Coding change: c.602G>T on transcript NM_000452.3 (MANE Select); coding-DNA position 602, G replaced by T.
Protein change: p.Gly201Val; replaces glycine 201 with valine.
Molecular consequence: missense variant.
Genome position (GRCh38, 1-based): chr13:103,051,416, C>A on the plus strand (G>T on the coding strand, the complement: SLC10A2 is on the minus strand). VCF-style: chr13-103051416-C-A. GRCh37 (hg19) VCF-style: chr13-103703766-C-A.
Other names: short protein forms G201V.
Identifiers: ClinVar variation 4584319 (VCV004584319.2).

ClinVar aggregate classification (germline): Uncertain significance. Review status: criteria provided, multiple submitters, no conflicts (2 of 4 stars). 2 submissions from 2 submitters: Uncertain significance (2). Last evaluated 2025-10-28.

gnomAD v4.1: 1 of 1,613,966 alleles (0.000062%); highest among the groups gnomAD compares: Admixed American, 0.0017%; no homozygotes.

Submissions (2):

Ambry Genetics
Classification: Uncertain significance. Last evaluated: 2025-10-28. Review status: criteria provided, single submitter. Criteria: Ambry Variant Classification Scheme 2023. Collection method: clinical testing. Allele origin: germline.

Labcorp Genetics (formerly Invitae), Labcorp
Classification: Uncertain significance. Last evaluated: 2025-07-31. Review status: criteria provided, single submitter. Criteria: Invitae Variant Classification Sherloc (09022015). Collection method: clinical testing. Allele origin: germline.
Comment: This sequence change replaces glycine, which is neutral and non-polar, with valine, which is neutral and non-polar, at codon 201 of the SLC10A2 protein (p.Gly201Val). This variant is present in population databases (no rsID available, gnomAD 0.003%). This variant has not been reported in the literature in individuals affected with SLC10A2-related conditions. Invitae Evidence Modeling of protein sequence and biophysical properties (such as structural, functional, and spatial information, amino acid conservation, physicochemical variation, residue mobility, and thermodynamic stability) indicates that this missense variant is not expected to disrupt SLC10A2 protein function with a negative predictive value of 80%. In summary, the available evidence is currently insufficient to determine the role of this variant in disease. Therefore, it has been classified as a Variant of Uncertain Significance.